The following is an entry in ClinVar:

ClinVar aggregate classification (germline): Uncertain significance (1 of 4 stars; one submission).

Conditions:
Cortical dysplasia-focal epilepsy syndrome (PTHSL1). Also called: Pitt-Hopkins-like syndrome 1. Identifiers: Orphanet 163681, Orphanet 221150, MedGen C2750246, MONDO:0012400, OMIM 610042.

Submission:

Labcorp Genetics (formerly Invitae), Labcorp
Classification: Uncertain significance for Cortical dysplasia-focal epilepsy syndrome. Last evaluated: 2021-06-13. Review status: criteria provided, single submitter. Criteria: Invitae Variant Classification Sherloc (09022015). Collection method: clinical testing. Allele origin: germline.
Comment: In summary, the available evidence is currently insufficient to determine the role of this variant in disease. Therefore, it has been classified as a Variant of Uncertain Significance. Algorithms developed to predict the effect of missense changes on protein structure and function (SIFT, PolyPhen-2, Align-GVGD) all suggest that this variant is likely to be tolerated, but these predictions have not been confirmed by published functional studies and their clinical significance is uncertain. This variant has not been reported in the literature in individuals with CNTNAP2-related conditions. This variant is not present in population databases (ExAC no frequency). This sequence change replaces proline with serine at codon 38 of the CNTNAP2 protein (p.Pro38Ser). The proline residue is weakly conserved and there is a moderate physicochemical difference between proline and serine.

NM_014141.6(CNTNAP2):c.112C>T (p.Pro38Ser)

Gene: CNTNAP2 (contactin associated protein 2; plus strand). Cytogenetic location: 7q35.
Variant type: single nucleotide variant.
Coding change: c.112C>T on transcript NM_014141.6 (MANE Select); coding-DNA position 112, C replaced by T.
Protein change: p.Pro38Ser; replaces proline 38 with serine.
Molecular consequence: missense variant.
Genome position (GRCh38, 1-based): chr7:146,774,285, C>T. VCF-style: chr7-146774285-C-T. GRCh37 (hg19) VCF-style: chr7-146471377-C-T.
Other names: short protein forms P38S.
Identifiers: ClinVar variation 1498284 (VCV001498284.7), dbSNP rs2129185957, ClinGen allele CA369922252.
Genomic context (GRCh38, chr7:146,774,285, plus strand): 5'-AAATCGTTGTTGAGTGTCTCTCTCCCTCTCTGTCTTTTGTTTTCAGAAAAATGTGATGAG[C>T]CACTTGTCTCTGGACTCCCCCATGTGGCTTTCAGCAGCTCCTCCTCCATCTCTGGTAGCT-3'
Protein context (NP_054860.1, residues 28-48): APSTSQKCDE[Pro38Ser]LVSGLPHVAF